The following is an entry in ClinVar:

ClinVar aggregate classification (germline): Uncertain significance. Review status: criteria provided, multiple submitters, no conflicts (2 of 4 stars). 2 submissions from 2 submitters: Uncertain significance (2). Last evaluated 2024-12-03.

Conditions:
Inborn genetic diseases. Identifiers: MedGen C0950123, MeSH D030342.

Allele frequency attached by ClinVar (database versions not stated): ExAC 0.00001; gnomAD 0.00001; gnomAD exomes 0.00001 and 0.00004; TOPMed 0.00002.

Submissions (2):

Ambry Genetics
Classification: Uncertain significance for Inborn genetic diseases. Last evaluated: 2024-12-03. Review status: criteria provided, single submitter. Criteria: Ambry Variant Classification Scheme 2023. Collection method: clinical testing. Allele origin: germline.

Labcorp Genetics (formerly Invitae), Labcorp
Classification: Uncertain significance. Last evaluated: 2022-07-12. Review status: criteria provided, single submitter. Criteria: Invitae Variant Classification Sherloc (09022015). Collection method: clinical testing. Allele origin: germline.
Comment: This variant has not been reported in the literature in individuals affected with CHD8-related conditions. ClinVar contains an entry for this variant (Variation ID: 1430384). Algorithms developed to predict the effect of missense changes on protein structure and function (SIFT, PolyPhen-2, Align-GVGD) all suggest that this variant is likely to be tolerated. In summary, the available evidence is currently insufficient to determine the role of this variant in disease. Therefore, it has been classified as a Variant of Uncertain Significance. This variant is present in population databases (rs758143375, gnomAD 0.003%). This sequence change replaces histidine, which is basic and polar, with arginine, which is basic and polar, at codon 1940 of the CHD8 protein (p.His1940Arg).

NM_001170629.2(CHD8):c.5819A>G (p.His1940Arg)

Gene: CHD8 (chromodomain helicase DNA binding protein 8; minus strand). Cytogenetic location: 14q11.2.
Variant type: single nucleotide variant.
Coding change: c.5819A>G on transcript NM_001170629.2 (MANE Select); coding-DNA position 5819, A replaced by G.
Protein change: p.His1940Arg; replaces histidine 1940 with arginine.
Molecular consequence: missense variant.
Genome position (GRCh38, 1-based): chr14:21,393,976, T>C on the plus strand (A>G on the coding strand, the complement: CHD8 is on the minus strand). VCF-style: chr14-21393976-T-C. GRCh37 (hg19) VCF-style: chr14-21862135-T-C.
Other names: c.4982A>G, p.His1661Arg (NM_020920.4); c.5819A>G (NM_001170629.1); short protein forms H1661R, H1940R.
Identifiers: ClinVar variation 1430384 (VCV001430384.9), dbSNP rs758143375, ClinGen allele CA7090885.